The following is an entry in ClinVar:

NM_001366145.2(TRPM3):c.3701C>T (p.Ser1234Leu)

Genes: KLF9-DT (KLF9 divergent transcript; plus strand), TRPM3 (transient receptor potential cation channel subfamily M member 3; minus strand). Cytogenetic location: 9q21.12.
Variant type: single nucleotide variant.
Coding change: c.3701C>T on transcript NM_001366145.2 (MANE Select); coding-DNA position 3701, C replaced by T.
Protein change: p.Ser1234Leu; replaces serine 1234 with leucine.
Molecular consequence: missense variant.
Genome position (GRCh38, 1-based): chr9:70,549,548, G>A on the plus strand (C>T on the coding strand, the complement: TRPM3 is on the minus strand). VCF-style: chr9-70549548-G-A. GRCh37 (hg19) VCF-style: chr9-73164464-G-A.
Other names: c.3665C>T, p.Ser1222Leu (NM_001007471.4, NM_001366151.2); c.3671C>T, p.Ser1224Leu (NM_001366141.2, NM_001366143.2, NM_001366149.2); c.3707C>T, p.Ser1236Leu (NM_001366142.2); c.3701C>T, p.Ser1234Leu (NM_001366146.2); c.3776C>T, p.Ser1259Leu (NM_001366147.2, NM_001366152.2); c.3746C>T, p.Ser1249Leu (NM_001366148.2); c.3635C>T, p.Ser1212Leu (NM_001366150.2); c.3242C>T, p.Ser1081Leu (NM_001366154.2, NM_024971.7); and 5 more; short protein forms S1059L, S1069L, S1071L, S1081L, S1084L, S1094L, S1212L, S1222L.
Identifiers: ClinVar variation 3343088 (VCV003343088.1).

ClinVar aggregate classification (germline): Uncertain significance (1 of 4 stars; one submission).

Submission:

GeneDx
Classification: Uncertain significance. Last evaluated: 2024-01-28. Review status: criteria provided, single submitter. Criteria: GeneDx Variant Classification Process June 2021. Collection method: clinical testing. Allele origin: germline. Affected: yes.
Comment: Not observed at significant frequency in large population cohorts (gnomAD); In silico analysis supports that this missense variant has a deleterious effect on protein structure/function; Has not been previously published as pathogenic or benign to our knowledge